The following is an entry in ClinVar:

NM_015001.3(SPEN):c.7558C>G (p.Pro2520Ala)

Gene: SPEN (spen family transcriptional repressor; plus strand). Cytogenetic location: 1p36.13.
Variant type: single nucleotide variant.
Coding change: c.7558C>G on transcript NM_015001.3 (MANE Select); coding-DNA position 7558, C replaced by G.
Protein change: p.Pro2520Ala; replaces proline 2520 with alanine.
Molecular consequence: missense variant.
Genome position (GRCh38, 1-based): chr1:15,933,798, C>G. VCF-style: chr1-15933798-C-G. GRCh37 (hg19) VCF-style: chr1-16260293-C-G.
Other names: short protein forms P2520A.
Identifiers: ClinVar variation 2579407 (VCV002579407.1), dbSNP rs2071246788, ClinGen allele CA338645083.

ClinVar aggregate classification (germline): Uncertain significance (1 of 4 stars; one submission).

Submission:

GeneDx
Classification: Uncertain significance. Last evaluated: 2023-03-03. Review status: criteria provided, single submitter. Criteria: GeneDx Variant Classification Process June 2021. Collection method: clinical testing. Allele origin: germline. Affected: yes.
Comment: In silico analysis supports that this missense variant has a deleterious effect on protein structure/function; Not observed at significant frequency in large population cohorts (gnomAD); Has not been previously published as pathogenic or benign to our knowledge